The following is an entry in ClinVar:

NM_002382.5(MAX):c.191T>C (p.Leu64Pro)

Gene: MAX (MYC associated transcriptional regulator X; minus strand). Cytogenetic location: 14q23.3.
Variant type: single nucleotide variant.
Coding change: c.191T>C on transcript NM_002382.5 (MANE Select); coding-DNA position 191, T replaced by C.
Protein change: p.Leu64Pro; replaces leucine 64 with proline.
Molecular consequence: missense variant. On other transcripts: 5 prime UTR variant (1), intron variant (2).
Genome position (GRCh38, 1-based): chr14:65,078,017, A>G on the plus strand (T>C on the coding strand, the complement: MAX is on the minus strand). VCF-style: chr14-65078017-A-G. GRCh37 (hg19) VCF-style: chr14-65544735-A-G.
Other names: c.-84T>C (NM_001320415.2, NM_001407105.1, NM_001407106.1 and 1 more transcripts); c.191T>C, p.Leu64Pro (NM_001407094.1, NM_001407096.1, NM_001407097.1 and 3 more transcripts); c.164T>C, p.Leu55Pro (NM_001407095.1, NM_001407099.1, NM_001407100.1 and 6 more transcripts); c.83T>C, p.Leu28Pro (NM_001407098.1); c.-177T>C (NM_001407111.1, NM_001407112.1); c.144+15691T>C (NM_001271069.2); c.171+15691T>C (NM_197957.4); short protein forms L28P, L55P, L64P.
Identifiers: ClinVar variation 2003868 (VCV002003868.5), dbSNP rs2139755550, ClinGen allele CA390035933.

ClinVar aggregate classification (germline): Uncertain significance. Review status: criteria provided, multiple submitters, no conflicts (2 of 4 stars). 2 submissions from 2 submitters: Uncertain significance (2). Last evaluated 2026-07-06.

Conditions:
Hereditary cancer-predisposing syndrome. Also called: Hereditary neoplastic syndrome; Neoplastic Syndromes, Hereditary; Tumor predisposition; Hereditary Cancer Syndrome. Identifiers: Orphanet 140162, MedGen C0027672, MeSH D009386, MONDO:0015356.
Hereditary pheochromocytoma and paraganglioma. Also called: Hereditary Paraganglioma-Pheochromocytoma Syndromes; Hereditary paragangliomas and pheochromocytomas; Hereditary pheochromocytoma-paraganglioma. Identifiers: Orphanet 29072, MedGen C4274332, MONDO:0017366.

Submissions (2):

Ambry Genetics
Classification: Uncertain significance for Hereditary cancer-predisposing syndrome. Last evaluated: 2026-07-06. Review status: criteria provided, single submitter. Criteria: Ambry Variant Classification Scheme 2023. Collection method: clinical testing. Allele origin: germline.
Comment: The p.L64P variant (also known as c.191T>C), located in coding exon 4 of the MAX gene, results from a T to C substitution at nucleotide position 191. The leucine at codon 64 is replaced by proline, an amino acid with similar properties. This amino acid position is conserved. In addition, this alteration is predicted to be deleterious by in silico analysis. Based on the available evidence, the clinical significance of this variant remains unclear.

Labcorp Genetics (formerly Invitae), Labcorp
Classification: Uncertain significance for Hereditary pheochromocytoma and paraganglioma. Last evaluated: 2023-12-17. Review status: criteria provided, single submitter. Criteria: Invitae Variant Classification Sherloc (09022015). Collection method: clinical testing. Allele origin: germline.
Comment: This sequence change replaces leucine, which is neutral and non-polar, with proline, which is neutral and non-polar, at codon 64 of the MAX protein (p.Leu64Pro). This variant is not present in population databases (gnomAD no frequency). This variant has not been reported in the literature in individuals affected with MAX-related conditions. ClinVar contains an entry for this variant (Variation ID: 2003868). An algorithm developed to predict the effect of missense changes on protein structure and function (PolyPhen-2) suggests that this variant is likely to be disruptive. In summary, the available evidence is currently insufficient to determine the role of this variant in disease. Therefore, it has been classified as a Variant of Uncertain Significance.